The following is an entry in ClinVar:

NM_000179.3(MSH6):c.2120A>C (p.Glu707Ala)

Gene: MSH6 (mutS homolog 6; plus strand). Cytogenetic location: 2p16.3.
Variant type: single nucleotide variant.
Coding change: c.2120A>C on transcript NM_000179.3 (MANE Select); coding-DNA position 2120, A replaced by C.
Protein change: p.Glu707Ala; replaces glutamic acid 707 with alanine.
Molecular consequence: missense variant.
Genome position (GRCh38, 1-based): chr2:47,800,103, A>C. VCF-style: chr2-47800103-A-C. GRCh37 (hg19) VCF-style: chr2-48027242-A-C.
Other names: c.1730A>C, p.Glu577Ala (NM_001281492.2); c.1214A>C, p.Glu405Ala (NM_001281493.2, NM_001281494.2); short protein forms E405A, E577A, E707A.
Identifiers: ClinVar variation 1058037 (VCV001058037.9), dbSNP rs1553413485, ClinGen allele CA346750984.

ClinVar aggregate classification (germline): Uncertain significance (1 of 4 stars; one submission).

Conditions:
Hereditary nonpolyposis colorectal neoplasms. Identifiers: MedGen C0009405, MeSH D003123.

Submission:

Labcorp Genetics (formerly Invitae), Labcorp
Classification: Uncertain significance for Hereditary nonpolyposis colorectal neoplasms. Last evaluated: 2020-09-08. Review status: criteria provided, single submitter. Criteria: Invitae Variant Classification Sherloc (09022015). Collection method: clinical testing. Allele origin: germline.
Comment: In summary, the available evidence is currently insufficient to determine the role of this variant in disease. Therefore, it has been classified as a Variant of Uncertain Significance. Algorithms developed to predict the effect of sequence changes on RNA splicing suggest that this variant may create or strengthen a splice site, but this prediction has not been confirmed by published transcriptional studies. Advanced modeling of protein sequence and biophysical properties (such as structural, functional, and spatial information, amino acid conservation, physicochemical variation, residue mobility, and thermodynamic stability) performed at Invitae indicates that this missense variant is expected to disrupt MSH6 protein function. This variant has not been reported in the literature in individuals with MSH6-related conditions. This variant is not present in population databases (ExAC no frequency). This sequence change replaces glutamic acid with alanine at codon 707 of the MSH6 protein (p.Glu707Ala). The glutamic acid residue is highly conserved and there is a moderate physicochemical difference between glutamic acid and alanine.